The following is an entry in ClinVar:

NM_000492.4(CFTR):c.3368-2A>G

Genes: CFTR (CF transmembrane conductance regulator; plus strand), CFTR-AS2 (CFTR antisense RNA 2; minus strand). Cytogenetic location: 7q31.2.
Variant type: single nucleotide variant.
Coding change: c.3368-2A>G on transcript NM_000492.4 (MANE Select); the canonical splice acceptor site of the intron before coding-DNA position 3368, A replaced by G.
Molecular consequence: splice acceptor variant.
Genome position (GRCh38, 1-based): chr7:117,614,611, A>G. VCF-style: chr7-117614611-A-G. GRCh37 (hg19) VCF-style: chr7-117254665-A-G.
Other names: 3500-2A->G; 3500-2A>G.
Identifiers: ClinVar variation 188783 (VCV000188783.29), dbSNP rs755416052, ClinGen allele CA273950.
Genomic context (GRCh38, chr7:117,614,611, plus strand): 5'-AAAGTCGTTCACAGAAGAGAGAAATAACATGAGGTTCATTTACGTCTTTTGTGCATCTAT[A>G]GGAGAAGGAGAAGGAAGAGTTGGTATTATCCTGACTTTAGCCATGAATATCATGAGTACA-3'

ClinVar aggregate classification (germline): Pathogenic. Review status: reviewed by expert panel (3 of 4 stars). 13 submissions from 11 submitters: Pathogenic (1). 12 of the submissions do not count toward it. Last evaluated 2017-03-17.

Conditions:
CFTR-related disorder (CFTR-RD). Also called: CFTR-related disorders; CFTR-related condition. Identifiers: MedGen C5924204, MONDO:7770004.
Congenital bilateral aplasia of vas deferens from CFTR mutation (CBAVD). Identifiers: Orphanet 48, MedGen C0403814, MONDO:0010178, OMIM 277180. Disease mechanism: loss of function.
Cystic fibrosis (CF). Also called: MUCOVISCIDOSIS. Identifiers: Orphanet 586, MedGen C0010674, MONDO:0009061, OMIM 219700. Disease mechanism: loss of function.
Bronchiectasis with or without elevated sweat chloride 1 (BESC1). Also called: Cystic Fibrosis-Like Syndrome. Identifiers: Orphanet 60033, MedGen C2749757, MONDO:0008887, OMIM 211400.

Allele frequency attached by ClinVar (database versions not stated): TOPMed 0.00002.
gnomAD v4.1: 2 of 1,594,472 alleles (0.00013%); highest among the groups gnomAD compares: Admixed American, 0.0033%; no homozygotes.

Submissions (13):

CFTR2
Classification: Pathogenic for Cystic fibrosis. Last evaluated: 2017-03-17. Review status: reviewed by expert panel. Criteria: Sosnay PR et al. (Nat Genet 2013). Collection method: research. Allele origin: germline. Affected: yes. Study: CFTR2.

Natera, Inc.
Classification: Pathogenic for CFTR-related disorders. Last evaluated: 2024-09-13. Review status: criteria provided, single submitter. Criteria: Natera Variant Classification Schema (03/2026). Collection method: clinical testing. Allele origin: germline. Not counted in ClinVar's aggregate classification.
Comment: The c.3368-2A>G variant in CFTR is a canonical splice acceptor site variant predicted to affect pre-mRNA splicing, which may result in an abnormal transcript and altered protein product. This variant is expected to result in nonsense mediated decay, truncation, or a dysfunctional protein product. This variant is rare in the general population with a frequency below the threshold expected for the associated phenotype(s). This variant has been observed in one or more individuals affected with the associated recessive disease, as either homozygous or compound heterozygous with a second variant (PMID: 32057679). Given the available evidence, this variant is classified as Pathogenic.

Labcorp Genetics (formerly Invitae), Labcorp
Classification: Pathogenic for Cystic fibrosis. Last evaluated: 2024-02-07. Review status: criteria provided, single submitter. Criteria: Invitae Variant Classification Sherloc (09022015). Collection method: clinical testing. Allele origin: germline. Not counted in ClinVar's aggregate classification.
Comment: This sequence change affects an acceptor splice site in intron 20 of the CFTR gene. It is expected to disrupt RNA splicing. Variants that disrupt the donor or acceptor splice site typically lead to a loss of protein function (PMID: 16199547), and loss-of-function variants in CFTR are known to be pathogenic (PMID: 1695717, 7691345, 9725922). This variant is present in population databases (rs755416052, gnomAD 0.003%). Disruption of this splice site has been observed in individuals with cystic fibrosis (PMID: 16963320, 23974870, 26708955). This variant is also known as c.3500-2A>G. ClinVar contains an entry for this variant (Variation ID: 188783). Algorithms developed to predict the effect of sequence changes on RNA splicing suggest that this variant may disrupt the consensus splice site. For these reasons, this variant has been classified as Pathogenic.

Baylor Genetics
Classification: Pathogenic for Bronchiectasis with or without elevated sweat chloride 1. Last evaluated: 2024-01-19. Review status: criteria provided, single submitter. Criteria: ACMG Guidelines, 2015. Collection method: clinical testing. Allele origin: unknown. Not counted in ClinVar's aggregate classification.

Institute of Human Genetics, University of Leipzig Medical Center
Classification: Pathogenic for Cystic fibrosis. Last evaluated: 2022-09-05. Review status: criteria provided, single submitter. Criteria: ACMG Guidelines, 2015. Collection method: curation. Allele origin: unknown. Affected: yes. Observed: 2 variant alleles. Not counted in ClinVar's aggregate classification.
Comment: This variant was identified in 2 unrelated patients with a clinically confirmed diagnosis of cystic fibrosis. The variant was classified in the context of a project re-classifying variants in the German Cystic Fibrosis Registry (Muko.e.V.). Criteria applied: PVS1, PS1_SUP, PM2_SUP, PM3_VSTR

Greenwood Genetic Center Diagnostic Laboratories, Greenwood Genetic Center
Classification: Pathogenic for Cystic fibrosis. Last evaluated: 2021-09-29. Review status: criteria provided, single submitter. Criteria: ACMG Guidelines, 2015. Collection method: clinical testing. Allele origin: germline. Affected: yes. Not counted in ClinVar's aggregate classification.
Comment: PVS1, PS3, PP3, PM2, PM3, PM5

Genome Diagnostics Laboratory, The Hospital for Sick Children
Classification: Pathogenic for Cystic fibrosis. Last evaluated: 2020-03-08. Review status: criteria provided, single submitter. Criteria: ACMG Guidelines, 2015. Collection method: clinical testing. Allele origin: germline. Not counted in ClinVar's aggregate classification.

Women's Health and Genetics/Laboratory Corporation of America, LabCorp
Classification: Pathogenic. Last evaluated: 2018-12-26. Review status: criteria provided, single submitter. Criteria: LabCorp Variant Classification Summary - May 2015. Collection method: clinical testing. Allele origin: germline. Not counted in ClinVar's aggregate classification.
Comment: Variant summary: CFTR c.3368-2A>G is located in a canonical splice-site and is predicted to affect mRNA splicing resulting in a significantly altered protein due to either exon skipping, shortening, or inclusion of intronic material. Several computational tools predict a significant impact on normal splicing: Five predict the variant abolishes a 3' acceptor site. However, these predictions have yet to be confirmed by functional studies. The variant allele was found at a frequency of 4.1e-06 in 245656 control chromosomes (gnomAD). c.3368-2A>G has been reported in the literature in individuals affected with Cystic Fibrosis (Dankert-Roelse_2018, Kharrazi_2015, Sontag_2009, Kammesheidt_2006, Keyeux_2003, ). A ClinVar submission from a reputable database, CFTR2 (evaluation after 2014) cites the variant as pathogenic. Based on the evidence outlined above, the variant was classified as pathogenic.

Mendelics
Classification: Pathogenic for Cystic fibrosis. Last evaluated: 2018-11-05. Review status: criteria provided, single submitter. Criteria: Mendelics Assertion Criteria 2017. Collection method: clinical testing. Allele origin: unknown. Affected: yes. Not counted in ClinVar's aggregate classification.

Ambry Genetics
Classification: Pathogenic for Cystic fibrosis. Last evaluated: 2017-06-26. Review status: criteria provided, single submitter. Criteria: Ambry Variant Classification Scheme 2023. Collection method: clinical testing. Allele origin: germline. Not counted in ClinVar's aggregate classification.
Comment: The c.3368-2A>G intronic pathogenic mutation (also known as 3500-2A>G) results from an A to G substitution two nucleotides upstream from coding exon 21 in the CFTR gene. This pathogenic mutation was identified in conjunction with p.N1303K in an individual with elevated sweat chloride levels and pancreatic insufficiency (Keyeux G et al. Hum. Mutat., 2003 Sep;22:259). In addition to the clinical data presented in the literature, alterations that disrupt the canonical splice site are expected to cause aberrant splicing, resulting in an abnormal protein or a transcript that is subject to nonsense-mediated mRNA decay. As such, this alteration is classified as a disease-causing mutation.

Baylor Genetics
Classification: Pathogenic for Congenital bilateral aplasia of vas deferens from CFTR mutation; Cystic fibrosis. Review status: criteria provided, single submitter. Criteria: ACMG Guidelines, 2015. Collection method: clinical testing. Allele origin: germline. Not counted in ClinVar's aggregate classification.

Genome Diagnostics Laboratory, The Hospital for Sick Children
Classification: Pathogenic for CFTR-related disorders. Last evaluated: 2020-03-08. Review status: no assertion criteria provided. Collection method: clinical testing. Allele origin: germline. Not counted in ClinVar's aggregate classification.

Counsyl
Classification: Likely pathogenic for Cystic fibrosis. Last evaluated: 2014-05-13. Review status: no assertion criteria provided. Collection method: literature only. Allele origin: unknown. Inheritance: Autosomal recessive inheritance. Not counted in ClinVar's aggregate classification.

Literature cited by the submitters: PubMed 32057679 (cited by Natera, Inc.); PubMed 16199547 (cited by Labcorp Genetics (formerly Invitae), Labcorp); PubMed 1695717 (cited by Labcorp Genetics (formerly Invitae), Labcorp); PubMed 7691345 (cited by Labcorp Genetics (formerly Invitae), Labcorp); PubMed 9725922 (cited by Labcorp Genetics (formerly Invitae), Labcorp); PubMed 16963320 (cited by 3 submitters); PubMed 23974870 (cited by Labcorp Genetics (formerly Invitae), Labcorp); PubMed 26708955 (cited by Labcorp Genetics (formerly Invitae), Labcorp); PubMed 16980811 (cited by Women's Health and Genetics/Laboratory Corporation of America, LabCorp); PubMed 12938099 (cited by 3 submitters); PubMed 26574590 (cited by Women's Health and Genetics/Laboratory Corporation of America, LabCorp); PubMed 16049310 (cited by Ambry Genetics and Counsyl); PubMed 19540513 (cited by Counsyl); PubMed 24784896 (cited by Counsyl).